The following is an entry in ClinVar:

ClinVar aggregate classification (germline): Uncertain significance (1 of 4 stars; one submission).

Conditions:
Hereditary cancer-predisposing syndrome. Also called: Neoplastic Syndromes, Hereditary; Tumor predisposition; Hereditary neoplastic syndrome; Hereditary Cancer Syndrome. Identifiers: Orphanet 140162, MedGen C0027672, MeSH D009386, MONDO:0015356.

Submission:

Ambry Genetics
Classification: Uncertain significance for Hereditary cancer-predisposing syndrome. Last evaluated: 2026-07-07. Review status: criteria provided, single submitter. Criteria: Ambry Variant Classification Scheme 2023. Collection method: clinical testing. Allele origin: germline.
Comment: The p.E274K variant (also known as c.820G>A), located in coding exon 7 of the BMPR1A gene, results from a G to A substitution at nucleotide position 820. The glutamic acid at codon 274 is replaced by lysine, an amino acid with similar properties. This amino acid position is conserved. In addition, this alteration is predicted to be deleterious by in silico analysis. Based on the available evidence, the clinical significance of this variant remains unclear.

NM_004329.3(BMPR1A):c.820G>A (p.Glu274Lys)

Gene: BMPR1A (bone morphogenetic protein receptor type 1A; plus strand). Cytogenetic location: 10q23.2.
Variant type: single nucleotide variant.
Coding change: c.820G>A on transcript NM_004329.3 (MANE Select); coding-DNA position 820, G replaced by A.
Protein change: p.Glu274Lys; replaces glutamic acid 274 with lysine.
Molecular consequence: missense variant. On other transcripts: non-coding transcript variant (3).
Genome position (GRCh38, 1-based): chr10:86,917,278, G>A. VCF-style: chr10-86917278-G-A. GRCh37 (hg19) VCF-style: chr10-88677035-G-A.
Other names: c.820G>A, p.Glu274Lys (NM_001406578.1, NM_001406579.1, NM_001406580.1 and 19 more transcripts); c.814G>A, p.Glu272Lys (NM_001406583.1); c.736G>A, p.Glu246Lys (NM_001406584.1, NM_001406585.1, NM_001406586.1 and 2 more transcripts); c.895G>A, p.Glu299Lys (NM_001406559.1); c.868G>A, p.Glu290Lys (NM_001406560.1); c.478G>A, p.Glu160Lys (NM_001406589.1); short protein forms E274K, E299K, E246K, E272K, E290K, E160K.
Identifiers: ClinVar variation 5033005 (VCV005033005.1).
Genomic context (GRCh38, chr10:86,917,278, plus strand): 5'-CGTGGCGAAAAAGTGGCGGTGAAAGTATTCTTTACCACTGAAGAAGCCAGCTGGTTTCGA[G>A]AAACAGAAATCTACCAAACTGTGCTAATGCGCCATGAAAACATACTTGGTGGGTACACAC-3'
Protein context (NP_004320.2, residues 264-284): FTTEEASWFR[Glu274Lys]TEIYQTVLMR